The following is an entry in ClinVar:

NM_024577.4(SH3TC2):c.3160C>T (p.His1054Tyr)

Gene: SH3TC2 (SH3 domain and tetratricopeptide repeats 2; minus strand). Cytogenetic location: 5q32.
Variant type: single nucleotide variant.
Coding change: c.3160C>T on transcript NM_024577.4 (MANE Select); coding-DNA position 3160, C replaced by T.
Protein change: p.His1054Tyr; replaces histidine 1054 with tyrosine.
Molecular consequence: missense variant.
Genome position (GRCh38, 1-based): chr5:149,012,628, G>A on the plus strand (C>T on the coding strand, the complement: SH3TC2 is on the minus strand). VCF-style: chr5-149012628-G-A. GRCh37 (hg19) VCF-style: chr5-148392191-G-A.
Other names: short protein forms H1054Y.
Identifiers: ClinVar variation 241505 (VCV000241505.7), dbSNP rs769133498, ClinGen allele CA3498834.

ClinVar aggregate classification (germline): Uncertain significance. Review status: criteria provided, single submitter (1 of 4 stars). 2 submissions from 2 submitters: Uncertain significance (1). 1 of the submissions does not count toward it. Last evaluated 2023-09-11.

Conditions:
Charcot-Marie-Tooth disease. Also called: Charcot-Marie-Tooth Neuropathy; Charcot-Marie-Tooth Hereditary Neuropathy. Identifiers: Orphanet 166, MedGen C0007959, MONDO:0015626.
Charcot-Marie-Tooth disease type 4. Also called: Charcot-Marie-Tooth, Type 4; Charcot-Marie-Tooth disease, type IV. Identifiers: Orphanet 64749, MedGen C4082197, MONDO:0018995.

Allele frequency attached by ClinVar (database versions not stated): gnomAD 0.00001; TOPMed 0.00001; gnomAD exomes 0.00004 and 0.00008; ExAC 0.00005.
gnomAD v4.1: 111 of 1,614,028 alleles (0.0069%); highest among the groups gnomAD compares: South Asian, 0.0088%; 1 homozygote.

Submissions (2):

Labcorp Genetics (formerly Invitae), Labcorp
Classification: Uncertain significance for Charcot-Marie-Tooth disease type 4. Last evaluated: 2023-09-11. Review status: criteria provided, single submitter. Criteria: Invitae Variant Classification Sherloc (09022015). Collection method: clinical testing. Allele origin: germline.
Comment: In summary, the available evidence is currently insufficient to determine the role of this variant in disease. Therefore, it has been classified as a Variant of Uncertain Significance. This sequence change replaces histidine, which is basic and polar, with tyrosine, which is neutral and polar, at codon 1054 of the SH3TC2 protein (p.His1054Tyr). This variant is present in population databases (rs769133498, gnomAD 0.006%). This variant has not been reported in the literature in individuals affected with SH3TC2-related conditions. ClinVar contains an entry for this variant (Variation ID: 241505). Advanced modeling of protein sequence and biophysical properties (such as structural, functional, and spatial information, amino acid conservation, physicochemical variation, residue mobility, and thermodynamic stability) performed at Invitae indicates that this missense variant is not expected to disrupt SH3TC2 protein function.

Genesis Genome Database
Classification: Uncertain significance for Charcot-Marie-Tooth disease. Last evaluated: 2019-08-14. Review status: no assertion criteria provided. Collection method: research. Allele origin: germline. Affected: yes. Not counted in ClinVar's aggregate classification.